The following is an entry in ClinVar:

ClinVar aggregate classification (germline): Conflicting classifications of pathogenicity. Review status: criteria provided, conflicting classifications (1 of 4 stars). 19 submissions from 19 submitters: Uncertain significance (1); Benign (7); Likely benign (5). 6 of the submissions do not count toward it. Last evaluated 2026-03-01.

Conditions:
SCN1A-related disorder. Also called: SCN1A-related conditions; SCN1A-related condition; SCN1A-related disorders.
Epilepsy. Also called: Seizure disorder. Identifiers: MedGen C0014544, MeSH D004827, MONDO:0005027.
Severe myoclonic epilepsy in infancy (DRVT). Also called: DEVELOPMENTAL AND EPILEPTIC ENCEPHALOPATHY 6A; Severe Myoclonic Epilepsy in Infancy (SMEI); Dravet syndrome; SEVERE MYOCLONIC EPILEPSY OF INFANCY; Epileptic encephalopathy, early infantile, 6 (Dravet syndrome). Identifiers: Orphanet 33069, MedGen C0751122, MONDO:0100135, OMIM 607208.
Migraine, familial hemiplegic, 3. Identifiers: Orphanet 569, MedGen C1864987, MONDO:0012320, OMIM 609634.
Developmental and epileptic encephalopathy 6B. Also called: Developmental and epileptic encephalopathy 6B, non-Dravet. Identifiers: MedGen C5543353, MONDO:0030268, OMIM 619317.
Generalized epilepsy with febrile seizures plus, type 2 (GEFSP2). Also called: GEFS+, TYPE 2. Identifiers: Orphanet 36387, MedGen C1858673, MONDO:0011461, OMIM 604403.
Inborn genetic diseases. Identifiers: MedGen C0950123, MeSH D030342.
Early-infantile DEE. Also called: Early infantile epileptic encephalopathy with suppression bursts; Ohtahara syndrome; Early infantile epileptic encephalopathy. Identifiers: Orphanet 1934, MedGen C0393706, MONDO:0800491.
Self-limited epilepsy with centrotemporal spikes. Also called: Rolandic epilepsy; Childhood epilepsy with centrotemporal spikes. Identifiers: Orphanet 1945, MedGen C0376532, MONDO:0007295.
Autism (AUTS). Also called: Autistic disorder of childhood onset; Autistic disorder. Identifiers: MedGen C0004352, MeSH D001321, MONDO:0005260, OMIM 209850, HP:0000717.
Intellectual disability. Also called: Intellectual functioning disability; Intellectual developmental disorder; intellectual disabilities. Identifiers: MedGen C3714756, MeSH D008607, MONDO:0001071, HP:0001249.

Allele frequency attached by ClinVar (database versions not stated): gnomAD 0.00154 and 0.00153; gnomAD exomes 0.00170; ESP Exome Variant Server 0.00223; ExAC 0.00153; 1000 Genomes Project 0.00020; 1000 Genomes Project 30x 0.00016; TOPMed 0.00158.
gnomAD v4.1: 2,449 of 1,614,152 alleles (0.15%); highest among the groups gnomAD compares: Middle Eastern, 0.33%; 7 homozygotes.

Submissions (19):

CeGaT Center for Human Genetics Tuebingen
Classification: Likely benign. Last evaluated: 2026-03-01. Review status: criteria provided, single submitter. Criteria: CeGaT Center For Human Genetics Tuebingen Variant Classification Criteria Version 2. Collection method: clinical testing. Allele origin: germline. Affected: yes. Observed: 11 variant alleles.
Comment: SCN1A: BS1

Labcorp Genetics (formerly Invitae), Labcorp
Classification: Benign for Early-infantile DEE. Last evaluated: 2026-01-26. Review status: criteria provided, single submitter. Criteria: Invitae Variant Classification Sherloc (09022015). Collection method: clinical testing. Allele origin: germline.

Genomic Medicine Center of Excellence, King Faisal Specialist Hospital and Research Centre
Classification: Benign for Severe myoclonic epilepsy in infancy. Last evaluated: 2025-09-10. Review status: criteria provided, single submitter. Criteria: ACMG Guidelines, 2015. Collection method: clinical testing. Allele origin: germline.

Blueprint Genetics
Classification: Likely benign. Last evaluated: 2024-11-25. Review status: criteria provided, single submitter. Criteria: ACMG Guidelines, 2015. Collection method: clinical testing. Allele origin: germline.

Mayo Clinic Laboratories, Mayo Clinic
Classification: Benign. Last evaluated: 2023-09-12. Review status: criteria provided, single submitter. Criteria: ACMG Guidelines, 2015. Collection method: clinical testing. Allele origin: germline. Observed: 4 variant alleles.

Women's Health and Genetics/Laboratory Corporation of America, LabCorp
Classification: Likely benign. Last evaluated: 2022-11-09. Review status: criteria provided, single submitter. Criteria: LabCorp Variant Classification Summary - May 2015. Collection method: clinical testing. Allele origin: germline.
Comment: Variant summary: SCN1A c.1625G>A (p.Arg542Gln) results in a conservative amino acid change in the encoded protein sequence. Three of five in-silico tools predict a benign effect of the variant on protein function. The variant allele was found at a frequency of 0.0017 in 251248 control chromosomes. The observed variant frequency is approximately 95 fold of the estimated maximal expected allele frequency for a pathogenic variant in SCN1A causing SCN1A-Related Seizure Disorder phenotype (1.8e-05), strongly suggesting that the variant is benign. Although reported in the literature, to our knowledge, no occurrence of c.1625G>A in individuals affected with SCN1A-Related Seizure Disorder and no conclusive experimental evidence demonstrating its impact on protein function have been reported. Ten clinical diagnostic laboratories have submitted clinical-significance assessments for this variant to ClinVar after 2014 without evidence for independent evaluation. Multiple laboratories reported the variant with conflicting assessments but a predominant consensus as benign/likely benign (n=7). Based on the evidence outlined above, the variant was classified as likely benign.

Department of Pathology and Laboratory Medicine, Sinai Health System
Classification: Benign for Generalized epilepsy with febrile seizures plus, type 2; Severe myoclonic epilepsy in infancy; Migraine, familial hemiplegic, 3; Developmental and epileptic encephalopathy 6B. Last evaluated: 2022-09-24. Review status: criteria provided, single submitter. Criteria: ACMG Guidelines, 2015. Collection method: research. Allele origin: germline.

Mendelics
Classification: Benign. Last evaluated: 2022-05-04. Review status: criteria provided, single submitter. Criteria: Mendelics Assertion Criteria 2019. Collection method: clinical testing. Allele origin: germline.

Laboratory of Medical Genetics, National & Kapodistrian University of Athens
Classification: Uncertain significance for Severe myoclonic epilepsy in infancy. Last evaluated: 2019-10-04. Review status: criteria provided, single submitter. Criteria: ACMG Guidelines, 2015. Collection method: clinical testing. Allele origin: de novo. Affected: yes.
Comment: PP3, BS2

Ambry Genetics
Classification: Benign for Inborn genetic diseases. Last evaluated: 2019-04-03. Review status: criteria provided, single submitter. Criteria: Ambry Variant Classification Scheme 2023. Collection method: clinical testing. Allele origin: germline.

Genetic Services Laboratory, University of Chicago
Classification: Likely benign. Last evaluated: 2018-10-15. Review status: criteria provided, single submitter. Criteria: ACMG Guidelines, 2015. Collection method: clinical testing. Allele origin: germline. Affected: no.

Eurofins Ntd Llc (ga)
Classification: Likely benign. Last evaluated: 2017-06-06. Review status: criteria provided, single submitter. Criteria: EGL Classification Definitions 2015. Collection method: clinical testing. Allele origin: germline. Observed: 9 variant alleles, 9 heterozygotes.

GeneDx
Classification: Benign. Last evaluated: 2017-02-02. Review status: criteria provided, single submitter. Criteria: GeneDx Variant Classification (06012015). Collection method: clinical testing. Allele origin: germline. Affected: yes.
Comment: This variant is considered likely benign or benign based on one or more of the following criteria: it is a conservative change, it occurs at a poorly conserved position in the protein, it is predicted to be benign by multiple in silico algorithms, and/or has population frequency not consistent with disease.

PreventionGenetics, part of Exact Sciences
Classification: Likely benign for SCN1A-related condition. Last evaluated: 2020-04-24. Review status: no assertion criteria provided. Collection method: clinical testing. Allele origin: germline. Not counted in ClinVar's aggregate classification.
Comment: This variant is classified as likely benign based on ACMG/AMP sequence variant interpretation guidelines (Richards et al. 2015 PMID: 25741868, with internal and published modifications).

Centre de Biologie Pathologie Génétique, Centre Hospitalier Universitaire de Lille
Classification: Likely benign for Intellectual disability. Last evaluated: 2019-01-01. Review status: no assertion criteria provided. Collection method: clinical testing. Allele origin: inherited. Affected: yes. Not counted in ClinVar's aggregate classification.

Clinical Genetics DNA and cytogenetics Diagnostics Lab, Erasmus MC, Erasmus Medical Center
Classification: Benign. Review status: no assertion criteria provided. Collection method: clinical testing. Allele origin: germline. Affected: yes. Study: VKGL Data-share Consensus. Not counted in ClinVar's aggregate classification.

Genome Diagnostics Laboratory, University Medical Center Utrecht
Classification: Likely benign. Review status: no assertion criteria provided. Collection method: clinical testing. Allele origin: germline. Affected: yes. Study: VKGL Data-share Consensus. Not counted in ClinVar's aggregate classification.

UniProtKB/Swiss-Prot
Classification: Uncertain significance for Autistic disorder of childhood onset. Review status: no assertion criteria provided. Collection method: not provided. Allele origin: unknown. Not counted in ClinVar's aggregate classification.
Comment: rare variant detected in patients with autism
ClinVar note: Converted during submission from Unknown significance to Uncertain significance.

Bioinformatics Core, Luxembourg Center for Systems Biomedicine
Classification: Pathogenic for Self-limited epilepsy with centrotemporal spikes. Last evaluated: 2017-01-01. Review status: flagged submission. Collection method: case-control. Allele origin: germline. Affected: yes. Study: EUROEPINOMICS COGIE. Not counted in ClinVar's aggregate classification.
Comment: CAADphred>15
ClinVar note: Reason: Outlier claim with insufficient supporting evidence

Literature cited by the submitters: PubMed 11254445 (cited by Eurofins Ntd Llc (ga)); PubMed 12610651 (cited by Eurofins Ntd Llc (ga)); PubMed 19200853 (cited by Eurofins Ntd Llc (ga)); PubMed 19522081 (cited by Eurofins Ntd Llc (ga)); PubMed 23195492 (cited by Eurofins Ntd Llc (ga)); PubMed 26990884 (cited by Eurofins Ntd Llc (ga)); PubMed 29358611 (cited by Bioinformatics Core, Luxembourg Center for Systems Biomedicine).

NM_001165963.4(SCN1A):c.1625G>A (p.Arg542Gln)

Gene: SCN1A (sodium voltage-gated channel alpha subunit 1; minus strand). Cytogenetic location: 2q24.3.
Variant type: single nucleotide variant.
Coding change: c.1625G>A on transcript NM_001165963.4 (MANE Select); coding-DNA position 1625, G replaced by A.
Protein change: p.Arg542Gln; replaces arginine 542 with glutamine.
Molecular consequence: missense variant. On other transcripts: 5 prime UTR variant (1), non-coding transcript variant (1).
Genome position (GRCh38, 1-based): chr2:166,045,080, C>T on the plus strand (G>A on the coding strand, the complement: SCN1A is on the minus strand). VCF-style: chr2-166045080-C-T. GRCh37 (hg19) VCF-style: chr2-166901590-C-T.
Other names: c.1625G>A, p.Arg542Gln (NM_001165964.3, NM_001202435.3, NM_001353948.2 and 7 more transcripts); c.1622G>A, p.Arg541Gln (NM_001353954.2, NM_001353955.2, NM_001353960.2); c.-801G>A (NM_001353961.2); c.1625G>A (NM_001202435.1, NM_001165963.3); short protein forms R542Q, R541Q.
Identifiers: ClinVar variation 68588 (VCV000068588.62), dbSNP rs121918817, ClinGen allele CA234872.